The following is an entry in ClinVar:

NM_033380.3(COL4A5):c.3016+1G>C

Gene: COL4A5 (collagen type IV alpha 5 chain; plus strand). Cytogenetic location: Xq22.3.
Variant type: single nucleotide variant.
Coding change: c.3016+1G>C on transcript NM_033380.3 (MANE Select); the canonical splice donor site of the intron after coding-DNA position 3016, G replaced by C.
Molecular consequence: splice donor variant.
Genome position (GRCh38, 1-based): chrX:108,624,335, G>C. VCF-style: chrX-108624335-G-C. GRCh37 (hg19) VCF-style: chrX-107867565-G-C.
Other names: c.3016+1G>C (NM_000495.5).
Identifiers: ClinVar variation 4710856 (VCV004710856.1).

ClinVar aggregate classification (germline): Pathogenic (1 of 4 stars; one submission).

Submission:

Labcorp Genetics (formerly Invitae), Labcorp
Classification: Pathogenic. Last evaluated: 2025-12-13. Review status: criteria provided, single submitter. Criteria: Invitae Variant Classification Sherloc (09022015). Collection method: clinical testing. Allele origin: germline.
Comment: This sequence change affects a donor splice site in intron 34 of the COL4A5 gene. It is expected to disrupt RNA splicing. Variants that disrupt the donor or acceptor splice site typically lead to a loss of protein function (PMID: 16199547), and loss-of-function variants in COL4A5 are known to be pathogenic (PMID: 9195222, 10752524, 14514738, 24854265, 26809805). This variant is not present in population databases (gnomAD no frequency). Disruption of this splice site has been observed in individuals with Alport syndrome (PMID: 37225412, 37248651). Algorithms developed to predict the effect of sequence changes on RNA splicing suggest that this variant may disrupt the consensus splice site. For these reasons, this variant has been classified as Pathogenic.

Literature cited by the submitters: PubMed 16199547; PubMed 9195222; PubMed 10752524; PubMed 14514738; PubMed 24854265; PubMed 26809805; PubMed 37225412; PubMed 37248651.